The following is an entry in ClinVar:

NM_000478.6(ALPL):c.1147_1150dup (p.Thr384fs)

Gene: ALPL (alkaline phosphatase, biomineralization associated; plus strand). Cytogenetic location: 1p36.12.
Variant type: Duplication.
Coding change: c.1147_1150dup on transcript NM_000478.6 (MANE Select); coding-DNA positions 1147 to 1150, 4 bases duplicated (TTCA; older notation c.1147_1150dupTTCA).
Protein change: p.Thr384fs; shifts the reading frame from threonine 384.
Molecular consequence: frameshift variant.
Genome position (GRCh38, 1-based): chr1:21,575,882-21,575,885, TTCA duplicated. VCF-style (leftmost placement, unchanged base first): chr1-21575881-C-CTTCA. GRCh37 (hg19) VCF-style: chr1-21902374-C-CTTCA.
Other names: c.982_985dup, p.Thr329fs (NM_001127501.4); c.916_919dup, p.Thr307fs (NM_001177520.3); c.1147_1150dup, p.Thr384fs (NM_001369803.2, NM_001369804.2, NM_001369805.2); short protein forms T307fs, T329fs, T384fs.
Identifiers: ClinVar variation 4974787 (VCV004974787.1).

ClinVar aggregate classification (germline): Likely pathogenic (1 of 4 stars; one submission).

Conditions:
Hypophosphatasia. Also called: Phosphoethanol-aminuria. Identifiers: Orphanet 436, MedGen C0020630, MeSH D007014, MONDO:0018570.

Submission:

Genomenon, Inc
Classification: Likely pathogenic for Hypophosphatasia. Last evaluated: 2026-09-01. Review status: criteria provided, single submitter. Criteria: Genomenon Sequence Variant Interpretation Standards - Updated. Collection method: curation. Allele origin: germline. Affected: no.
Comment: ALPL p.Thr384IlefsTer22 (c.1147_1150dup) is a frameshift variant that is predicted to introduce a premature termination codon and result in a truncated or absent protein product. This variant has been reported in the published literature (PMID:39983296). It is absent or not present at a significant frequency in gnomAD. In conclusion, we classify ALPL p.Thr384IlefsTer22 (c.1147_1150dup) as a likely pathogenic variant.

Literature cited by the submitters: PubMed 39983296.